The following is an entry in ClinVar:

ClinVar aggregate classification (germline): Pathogenic/Likely pathogenic. Review status: criteria provided, multiple submitters, no conflicts (2 of 4 stars). 3 submissions from 3 submitters: Pathogenic (2); Likely pathogenic (1). Last evaluated 2024-09-22.

Conditions:
COL4A5-related disorders.
X-linked Alport syndrome (ATS1). Also called: COL4A5-Related Nephropathy; NEPHROPATHY AND DEAFNESS, X-LINKED. Identifiers: Orphanet 63, Orphanet 88917, MedGen C4746986, MONDO:0010520, OMIM 301050.

Submissions (3):

Genomic Medicine Center of Excellence, King Faisal Specialist Hospital and Research Centre
Classification: Pathogenic for X-linked Alport syndrome. Last evaluated: 2024-09-22. Review status: criteria provided, single submitter. Criteria: ACMG Guidelines, 2015. Collection method: clinical testing. Allele origin: germline.

Blueprint Genetics
Classification: Likely pathogenic for COL4A5-related disorders. Last evaluated: 2023-11-16. Review status: criteria provided, single submitter. Criteria: ACMG Guidelines, 2015. Collection method: clinical testing. Allele origin: germline. Affected: yes. Observed: 1 variant allele.

Labcorp Genetics (formerly Invitae), Labcorp
Classification: Pathogenic. Last evaluated: 2023-06-17. Review status: criteria provided, single submitter. Criteria: Invitae Variant Classification Sherloc (09022015). Collection method: clinical testing. Allele origin: germline.
Comment: For these reasons, this variant has been classified as Pathogenic. This variant has not been reported in the literature in individuals affected with COL4A5-related conditions. This variant is not present in population databases (gnomAD no frequency). This sequence change creates a premature translational stop signal (p.Gly1442Valfs*106) in the COL4A5 gene. It is expected to result in an absent or disrupted protein product. Loss-of-function variants in COL4A5 are known to be pathogenic (PMID: 9195222, 10752524, 14514738, 24854265, 26809805).

Literature cited by the submitters: PubMed 9195222 (cited by Labcorp Genetics (formerly Invitae), Labcorp); PubMed 10752524 (cited by Labcorp Genetics (formerly Invitae), Labcorp); PubMed 14514738 (cited by Labcorp Genetics (formerly Invitae), Labcorp); PubMed 24854265 (cited by Labcorp Genetics (formerly Invitae), Labcorp); PubMed 26809805 (cited by Labcorp Genetics (formerly Invitae), Labcorp).

NM_033380.3(COL4A5):c.4341del (p.Gly1448fs)

Gene: COL4A5 (collagen type IV alpha 5 chain; plus strand). Cytogenetic location: Xq22.3.
Variant type: Deletion.
Coding change: c.4341del on transcript NM_033380.3 (MANE Select); coding-DNA position 4341, one base deleted (T; older notation c.4341delT).
Protein change: p.Gly1448fs; shifts the reading frame from glycine 1448.
Molecular consequence: frameshift variant.
Genome position (GRCh38, 1-based): chrX:108,687,507, T deleted. VCF-style (leftmost placement, unchanged base first): chrX-108687506-CT-C. GRCh37 (hg19) VCF-style: chrX-107930736-CT-C.
Other names: c.4323del, p.Gly1442fs (NM_000495.5); short protein forms G1448fs, G1442fs.
Identifiers: ClinVar variation 2718589 (VCV002718589.5), dbSNP rs2524632041, ClinGen allele CA2697544697.